The following is an entry in ClinVar:

ClinVar aggregate classification (germline): Likely benign. Review status: criteria provided, multiple submitters, no conflicts (2 of 4 stars). 6 submissions from 5 submitters: Likely benign (6). Last evaluated 2026-01-11.

Conditions:
USH2A-related disorder. Also called: USH2A-related disorders; USH2A-related condition. Identifiers: MedGen CN239332.
Retinitis pigmentosa 39 (RP39). Identifiers: Orphanet 791, MedGen C3151138, MONDO:0013436, OMIM 613809.
Usher syndrome type 2A. Also called: RETINAL DISEASE IN USHER SYNDROME TYPE IIA, MODIFIER OF; USHER SYNDROME, TYPE IIA. Identifiers: Orphanet 231178, Orphanet 886, MedGen C1848634, MONDO:0010169, OMIM 276901.

Allele frequency attached by ClinVar (database versions not stated): gnomAD exomes 0.00003; ExAC 0.00004; TOPMed 0.00004; gnomAD 0.00006 and 0.00007; ESP Exome Variant Server 0.00008; 1000 Genomes Project 30x 0.00016; 1000 Genomes Project 0.00020.
gnomAD v4.1: 52 of 1,613,894 alleles (0.0032%); highest among the groups gnomAD compares: Middle Eastern, 0.05%; no homozygotes.

Submissions (6):

Labcorp Genetics (formerly Invitae), Labcorp
Classification: Likely benign. Last evaluated: 2026-01-11. Review status: criteria provided, single submitter. Criteria: Invitae Variant Classification Sherloc (09022015). Collection method: clinical testing. Allele origin: germline.

PreventionGenetics, part of Exact Sciences
Classification: Likely benign for USH2A-related condition. Last evaluated: 2025-08-06. Review status: criteria provided, single submitter. Criteria: ACMG Guidelines, 2015. Collection method: clinical testing. Allele origin: germline.
Comment: This variant is classified as likely benign based on ACMG/AMP sequence variant interpretation guidelines (Richards et al. 2015 PMID: 25741868, with internal and published modifications).

Blueprint Genetics
Classification: Likely benign. Last evaluated: 2024-08-19. Review status: criteria provided, single submitter. Criteria: ACMG Guidelines, 2015. Collection method: clinical testing. Allele origin: germline.

Genome-Nilou Lab
Classification: Likely benign for Retinitis pigmentosa 39. Last evaluated: 2023-11-04. Review status: criteria provided, single submitter. Criteria: ACMG Guidelines, 2015. Collection method: clinical testing. Allele origin: germline. Affected: no.

Genome-Nilou Lab
Classification: Likely benign for Usher syndrome type 2A. Last evaluated: 2023-11-04. Review status: criteria provided, single submitter. Criteria: ACMG Guidelines, 2015. Collection method: clinical testing. Allele origin: germline. Affected: no.

Laboratory for Molecular Medicine, Mass General Brigham Personalized Medicine
Classification: Likely benign. Last evaluated: 2010-06-17. Review status: criteria provided, single submitter. Criteria: LMM Criteria. Collection method: clinical testing. Allele origin: germline. Observed: 1 variant allele.

NM_206933.4(USH2A):c.5739G>A (p.Glu1913=)

Genes: USH2A (usherin; minus strand), USH2A-AS2 (USH2A antisense RNA 2; plus strand). Cytogenetic location: 1q41.
Variant type: single nucleotide variant.
Coding change: c.5739G>A on transcript NM_206933.4 (MANE Select); coding-DNA position 5739, G replaced by A.
Protein change: p.Glu1913=; no amino-acid change (glutamic acid 1913 retained).
Molecular consequence: synonymous variant.
Genome position (GRCh38, 1-based): chr1:216,073,134, C>T on the plus strand (G>A on the coding strand, the complement: USH2A is on the minus strand). VCF-style: chr1-216073134-C-T. GRCh37 (hg19) VCF-style: chr1-216246476-C-T.
Identifiers: ClinVar variation 48539 (VCV000048539.18), dbSNP rs41277216, ClinGen allele CA143527.
Genomic context (GRCh38, chr1:216,073,134, plus strand): 5'-AATTTAGAGGACCTCCACATTACCTGTAAAAGGCTGGAGACCACCCTCGTAAACACTCTG[C>T]TCTTTTCCCTGGTAAACCAGGATGGAGTCATTTCCCCTGCAGTTAACAGCACTGTCAGTT-3'
Protein context (NP_996816.3, residues 1903-1923): NDSILVYQGK[Glu1913=]QSVYEGGLQP